The following is an entry in ClinVar:

ClinVar aggregate classification (germline): Uncertain significance. Review status: criteria provided, multiple submitters, no conflicts (2 of 4 stars). 2 submissions from 2 submitters: Uncertain significance (2). Last evaluated 2026-03-27.

Allele frequency attached by ClinVar (database versions not stated): gnomAD exomes 0.00001 and below 0.00001; ExAC 0.00001.
gnomAD v4.1: 11 of 1,611,842 alleles (0.00068%); highest among the groups gnomAD compares: South Asian, 0.011%; no homozygotes.

Submissions (2):

Women's Health and Genetics/Laboratory Corporation of America, LabCorp
Classification: Uncertain significance. Last evaluated: 2026-03-27. Review status: criteria provided, single submitter. Criteria: LabCorp Variant Classification Summary - May 2015. Collection method: clinical testing. Allele origin: germline.
Comment: Variant summary: BCKDHB c.269C>T (p.Thr90Ile) results in a non-conservative amino acid change in the encoded protein sequence. Algorithms developed to predict the effect of missense changes on protein structure and function all suggest that this variant is likely to be disruptive. The variant allele was found at a frequency of 4e-06 in 251080 control chromosomes (gnomAD). The available data on variant occurrences in the general population are insufficient to allow any conclusion about variant significance. c.269C>T has been observed in one individual affected with Maple Syrup Urine Disease (Chen_2023). These data do not allow any conclusion about variant significance. To our knowledge, no experimental evidence demonstrating an impact on protein function has been reported. The following publication have been ascertained in the context of this evaluation (PMID: 37421976). ClinVar contains an entry for this variant (Variation ID: 96575). Based on the evidence outlined above, the variant was classified as uncertain significance.

Eurofins Ntd Llc (ga)
Classification: Uncertain significance. Last evaluated: 2012-12-14. Review status: criteria provided, single submitter. Criteria: EGL Classification Definitions 2015. Collection method: clinical testing. Allele origin: germline. Observed: 1 variant allele, 1 heterozygote.

Literature cited by the submitters: PubMed 37421976 (cited by Women's Health and Genetics/Laboratory Corporation of America, LabCorp).

NM_183050.4(BCKDHB):c.269C>T (p.Thr90Ile)

Gene: BCKDHB (branched chain keto acid dehydrogenase E1 subunit beta; plus strand). Cytogenetic location: 6q14.1.
Variant type: single nucleotide variant.
Coding change: c.269C>T on transcript NM_183050.4 (MANE Select); coding-DNA position 269, C replaced by T.
Protein change: p.Thr90Ile; replaces threonine 90 with isoleucine.
Molecular consequence: missense variant. On other transcripts: non-coding transcript variant (1).
Genome position (GRCh38, 1-based): chr6:80,127,619, C>T. VCF-style: chr6-80127619-C-T. GRCh37 (hg19) VCF-style: chr6-80837336-C-T.
Other names: c.269C>T, p.Thr90Ile (NM_000056.5); c.59C>T, p.Thr20Ile (NM_001318975.1); short protein forms T90I, T20I.
Identifiers: ClinVar variation 96575 (VCV000096575.7), dbSNP rs398124570, ClinGen allele CA224263.
Genomic context (GRCh38, chr6:80,127,619, plus strand): 5'-AAATGAATCTTTTCCAGTCTGTAACAAGTGCCTTGGATAACTCATTGGCCAAAGATCCTA[C>T]TGCAGGTAACCCTGATATGTGCCTGAATTGTGGTAGCTGTGTTAATTCCAGAATTGAAGA-3'
Protein context (NP_898871.1, residues 80-100): ALDNSLAKDP[Thr90Ile]AVIFGEDVAF